The following is an entry in ClinVar:

NM_005189.3(CBX2):c.581G>A (p.Gly194Glu)

Gene: CBX2 (chromobox 2; plus strand). Cytogenetic location: 17q25.3.
Variant type: single nucleotide variant.
Coding change: c.581G>A on transcript NM_005189.3 (MANE Select); coding-DNA position 581, G replaced by A.
Protein change: p.Gly194Glu; replaces glycine 194 with glutamic acid.
Molecular consequence: missense variant.
Genome position (GRCh38, 1-based): chr17:79,784,024, G>A. VCF-style: chr17-79784024-G-A. GRCh37 (hg19) VCF-style: chr17-77757823-G-A.
Other names: short protein forms G194E.
Identifiers: ClinVar variation 3003845 (VCV003003845.3), dbSNP rs148261700, ClinGen allele CA8811277.

ClinVar aggregate classification (germline): Uncertain significance (1 of 4 stars; one submission).

gnomAD v4.1: 34 of 1,613,068 alleles (0.0021%); highest among the groups gnomAD compares: Admixed American, 0.0033%; no homozygotes.

Submission:

Labcorp Genetics (formerly Invitae), Labcorp
Classification: Uncertain significance. Last evaluated: 2023-10-26. Review status: criteria provided, single submitter. Criteria: Invitae Variant Classification Sherloc (09022015). Collection method: clinical testing. Allele origin: germline.
Comment: This sequence change replaces glycine, which is neutral and non-polar, with glutamic acid, which is acidic and polar, at codon 194 of the CBX2 protein (p.Gly194Glu). This variant is present in population databases (rs148261700, gnomAD 0.0009%). This variant has not been reported in the literature in individuals affected with CBX2-related conditions. Advanced modeling of protein sequence and biophysical properties (such as structural, functional, and spatial information, amino acid conservation, physicochemical variation, residue mobility, and thermodynamic stability) performed at Invitae indicates that this missense variant is not expected to disrupt CBX2 protein function with a negative predictive value of 80%. In summary, the available evidence is currently insufficient to determine the role of this variant in disease. Therefore, it has been classified as a Variant of Uncertain Significance.